The following is an entry in ClinVar:

ClinVar aggregate classification (germline): Likely pathogenic (1 of 4 stars; one submission).

Conditions:
Episodic ataxia type 2 (EA2). Also called: ACETAZOLAMIDE-RESPONSIVE HEREDITARY PAROXYSMAL CEREBELLAR ATAXIA; ATAXIA, EPISODIC, WITH NYSTAGMUS; ATAXIA, FAMILIAL PAROXYSMAL; CEREBELLAR ATAXIA, PAROXYSMAL, ACETAZOLAMIDE-RESPONSIVE; CEREBELLOPATHY, HEREDITARY PAROXYSMAL; EPISODIC ATAXIA, NYSTAGMUS-ASSOCIATED. Identifiers: Orphanet 97, MedGen C1720416, MONDO:0007163, OMIM 108500.

Submission:

Laboratory for Molecular Medicine, Mass General Brigham Personalized Medicine
Classification: Likely pathogenic for Episodic ataxia type 2. Last evaluated: 2018-03-01. Review status: criteria provided, single submitter. Criteria: LMM Criteria. Collection method: clinical testing. Allele origin: germline. Inheritance: Autosomal dominant inheritance. Observed: 1 variant allele.
Comment: The c.6321+1G>A variant in CACNA1A has not been previously reported in individua ls with episodic ataxia type 2 or in large population studies. This variant occu rs in the invariant region (+/- 1,2) of the splice consensus sequence and is pre dicted to cause altered splicing leading to an abnormal or absent protein. Heter ozygous loss of function of the CACNA1A gene is an established disease mechanism in individuals with episodic ataxia type 2. In summary, although additional stu dies are required to fully establish its clinical significance, the c.6321+1G>A variant is likely pathogenic. ACMG/AMP Criteria applied (Richards 2015): PVS1_St rong; PM2; PP3.

NM_001127222.2(CACNA1A):c.6303+1G>A

Gene: CACNA1A (calcium voltage-gated channel subunit alpha1 A; minus strand). Cytogenetic location: 19p13.13.
Variant type: single nucleotide variant.
Coding change: c.6303+1G>A on transcript NM_001127222.2 (MANE Select); the canonical splice donor site of the intron after coding-DNA position 6303, G replaced by A.
Molecular consequence: splice donor variant.
Genome position (GRCh38, 1-based): chr19:13,212,102, C>T on the plus strand (G>A on the coding strand, the complement: CACNA1A is on the minus strand). VCF-style: chr19-13212102-C-T. GRCh37 (hg19) VCF-style: chr19-13322916-C-T.
Other names: c.6306+1G>A (NM_001127221.2); c.6312+1G>A (NM_001174080.2); c.6321+1G>A (NM_000068.4, NM_023035.3).
Identifiers: ClinVar variation 667401 (VCV000667401.4), dbSNP rs1600088360, ClinGen allele CA404332053.